The following is an entry in ClinVar:

ClinVar aggregate classification (germline): Uncertain significance (1 of 4 stars; one submission).

Submission:

CeGaT Center for Human Genetics Tuebingen
Classification: Uncertain significance. Last evaluated: 2026-04-01. Review status: criteria provided, single submitter. Criteria: CeGaT Center For Human Genetics Tuebingen Variant Classification Criteria Version 2. Collection method: clinical testing. Allele origin: germline. Affected: yes. Observed: 1 variant allele.
Comment: TTN: PM2, BP4

NM_001267550.2(TTN):c.90023T>G (p.Leu30008Arg)

Genes: TTN (titin; minus strand), TTN-AS1 (TTN antisense RNA 1; plus strand). Cytogenetic location: 2q31.2.
Variant type: single nucleotide variant.
Coding change: c.90023T>G on transcript NM_001267550.2 (MANE Select); coding-DNA position 90023, T replaced by G.
Protein change: p.Leu30008Arg; replaces leucine 30008 with arginine.
Molecular consequence: missense variant.
Genome position (GRCh38, 1-based): chr2:178,552,877, A>C on the plus strand (T>G on the coding strand, the complement: TTN is on the minus strand). VCF-style: chr2-178552877-A-C. GRCh37 (hg19) VCF-style: chr2-179417604-A-C.
Other names: c.85100T>G, p.Leu28367Arg (NM_001256850.1); c.62828T>G, p.Leu20943Arg (NM_003319.4); c.82319T>G, p.Leu27440Arg (NM_133378.4); c.63203T>G, p.Leu21068Arg (NM_133432.3); c.63404T>G, p.Leu21135Arg (NM_133437.4); short protein forms L20943R, L21068R, L21135R, L27440R, L28367R, L30008R.
Identifiers: ClinVar variation 4874469 (VCV004874469.2).